The following is an entry in ClinVar:

NM_000486.6(AQP2):c.262T>G (p.Phe88Val)

Gene: AQP2 (aquaporin 2; plus strand). Cytogenetic location: 12q13.12.
Variant type: single nucleotide variant.
Coding change: c.262T>G on transcript NM_000486.6 (MANE Select); coding-DNA position 262, T replaced by G.
Protein change: p.Phe88Val; replaces phenylalanine 88 with valine.
Molecular consequence: missense variant.
Genome position (GRCh38, 1-based): chr12:49,951,092, T>G. VCF-style: chr12-49951092-T-G. GRCh37 (hg19) VCF-style: chr12-50344875-T-G.
Other names: short protein forms F88V.
Identifiers: ClinVar variation 2157970 (VCV002157970.3), dbSNP rs768070682, ClinGen allele CA6559182.

ClinVar aggregate classification (germline): Uncertain significance (1 of 4 stars; one submission).

Allele frequency attached by ClinVar (database versions not stated): ExAC 0.00002; TOPMed below 0.00001; gnomAD exomes 0.00001.
gnomAD v4.1: 4 of 1,610,110 alleles (0.00025%); highest among the groups gnomAD compares: Admixed American, 0.0067%; no homozygotes.

Submission:

Labcorp Genetics (formerly Invitae), Labcorp
Classification: Uncertain significance. Last evaluated: 2024-08-06. Review status: criteria provided, single submitter. Criteria: Invitae Variant Classification Sherloc (09022015). Collection method: clinical testing. Allele origin: germline.
Comment: This sequence change replaces phenylalanine, which is neutral and non-polar, with valine, which is neutral and non-polar, at codon 88 of the AQP2 protein (p.Phe88Val). This variant is present in population databases (rs768070682, gnomAD 0.01%). This variant has not been reported in the literature in individuals affected with AQP2-related conditions. ClinVar contains an entry for this variant (Variation ID: 2157970). Advanced modeling of protein sequence and biophysical properties (such as structural, functional, and spatial information, amino acid conservation, physicochemical variation, residue mobility, and thermodynamic stability) performed at Invitae indicates that this missense variant is not expected to disrupt AQP2 protein function with a negative predictive value of 80%. In summary, the available evidence is currently insufficient to determine the role of this variant in disease. Therefore, it has been classified as a Variant of Uncertain Significance.